The following is an entry in ClinVar:

NM_006206.6(PDGFRA):c.1442G>A (p.Arg481Lys)

Gene: PDGFRA (platelet derived growth factor receptor alpha; plus strand). Cytogenetic location: 4q12.
Variant type: single nucleotide variant.
Coding change: c.1442G>A on transcript NM_006206.6 (MANE Select); coding-DNA position 1442, G replaced by A.
Protein change: p.Arg481Lys; replaces arginine 481 with lysine.
Molecular consequence: missense variant.
Genome position (GRCh38, 1-based): chr4:54,273,614, G>A. VCF-style: chr4-54273614-G-A. GRCh37 (hg19) VCF-style: chr4-55139781-G-A.
Other names: c.1442G>A, p.Arg481Lys (NM_001347827.2, NM_001347829.2); c.1517G>A, p.Arg506Lys (NM_001347828.2); c.1481G>A, p.Arg494Lys (NM_001347830.2); short protein forms R481K, R494K, R506K.
Identifiers: ClinVar variation 4749601 (VCV004749601.1).

ClinVar aggregate classification (germline): Uncertain significance (1 of 4 stars; one submission).

Conditions:
Gastrointestinal stromal tumor. Also called: Gastrointestinal stromal tumor, somatic; Gastrointestinal stroma tumor. Identifiers: Orphanet 44890, MedGen C0238198, MeSH D046152, MONDO:0011719, OMIM 606764, HP:0100723.

Submission:

Labcorp Genetics (formerly Invitae), Labcorp
Classification: Uncertain significance for Gastrointestinal stromal tumor. Last evaluated: 2025-06-30. Review status: criteria provided, single submitter. Criteria: Invitae Variant Classification Sherloc (09022015). Collection method: clinical testing. Allele origin: germline.
Comment: This sequence change replaces arginine, which is basic and polar, with lysine, which is basic and polar, at codon 481 of the PDGFRA protein (p.Arg481Lys). This variant is not present in population databases (gnomAD no frequency). This variant has not been reported in the literature in individuals affected with PDGFRA-related conditions. Invitae Evidence Modeling of protein sequence and biophysical properties (such as structural, functional, and spatial information, amino acid conservation, physicochemical variation, residue mobility, and thermodynamic stability) indicates that this missense variant is not expected to disrupt PDGFRA protein function with a negative predictive value of 80%. In summary, the available evidence is currently insufficient to determine the role of this variant in disease. Therefore, it has been classified as a Variant of Uncertain Significance.